The following is an entry in ClinVar:

ClinVar aggregate classification (germline): Benign/Likely benign. Review status: criteria provided, multiple submitters, no conflicts (2 of 4 stars). 2 submissions from 2 submitters: Benign (1); Likely benign (1). Last evaluated 2024-10-16.

Conditions:
Lung cancer. Also called: Lung cancer, somatic; Malignant tumor of lung. Identifiers: MedGen C0242379, MONDO:0008903, OMIM 211980.
EGFR-related lung cancer (EGFR). Identifiers: MedGen CN130014.

Submissions (2):

Myriad Genetics, Inc.
Classification: Benign for Lung cancer. Last evaluated: 2024-10-16. Review status: criteria provided, single submitter. Criteria: Myriad Autosomal Dominant, Autosomal Recessive and X-Linked Classification Criteria (2023). Collection method: clinical testing. Allele origin: unknown.
Comment: This variant is considered benign. This variant is a silent/synonymous amino acid change and it is not expected to impact splicing.

Labcorp Genetics (formerly Invitae), Labcorp
Classification: Likely benign for EGFR-related lung cancer. Last evaluated: 2023-01-10. Review status: criteria provided, single submitter. Criteria: Invitae Variant Classification Sherloc (09022015). Collection method: clinical testing. Allele origin: germline.

NM_005228.5(EGFR):c.2271G>A (p.Lys757=)

Gene: EGFR (epidermal growth factor receptor; plus strand). Cytogenetic location: 7p11.2.
Variant type: single nucleotide variant.
Coding change: c.2271G>A on transcript NM_005228.5 (MANE Select); coding-DNA position 2271, G replaced by A.
Protein change: p.Lys757=; no amino-acid change (lysine 757 retained).
Molecular consequence: synonymous variant.
Genome position (GRCh38, 1-based): chr7:55,174,808, G>A. VCF-style: chr7-55174808-G-A. GRCh37 (hg19) VCF-style: chr7-55242501-G-A.
Other names: c.2136G>A, p.Lys712= (NM_001346897.2, NM_001346899.2); c.2271G>A, p.Lys757= (NM_001346898.2); c.2112G>A, p.Lys704= (NM_001346900.2); c.1470G>A, p.Lys490= (NM_001346941.2).
Identifiers: ClinVar variation 2827378 (VCV002827378.4), dbSNP rs1786526710, ClinGen allele CA454979634.